The following is an entry in ClinVar:

NM_000271.5(NPC1):c.622G>T (p.Val208Leu)

Gene: NPC1 (NPC intracellular cholesterol transporter 1; minus strand). Cytogenetic location: 18q11.2.
Variant type: single nucleotide variant.
Coding change: c.622G>T on transcript NM_000271.5 (MANE Select); coding-DNA position 622, G replaced by T.
Protein change: p.Val208Leu; replaces valine 208 with leucine.
Molecular consequence: missense variant.
Genome position (GRCh38, 1-based): chr18:23,561,369, C>A on the plus strand (G>T on the coding strand, the complement: NPC1 is on the minus strand). VCF-style: chr18-23561369-C-A. GRCh37 (hg19) VCF-style: chr18-21141333-C-A.
Other names: short protein forms V208L.
Identifiers: ClinVar variation 2062576 (VCV002062576.4), dbSNP rs372416248, ClinGen allele CA401782072.

ClinVar aggregate classification (germline): Uncertain significance (1 of 4 stars; one submission).

Conditions:
Niemann-Pick disease, type C1. Also called: NEUROVISCERAL STORAGE DISEASE WITH VERTICAL SUPRANUCLEAR OPHTHALMOPLEGIA; NIEMANN-PICK DISEASE WITH CHOLESTEROL ESTERIFICATION BLOCK; NIEMANN-PICK DISEASE WITHOUT SPHINGOMYELINASE DEFICIENCY; NIEMANN-PICK DISEASE, CHRONIC NEURONOPATHIC FORM; NIEMANN-PICK DISEASE, VARIANT TYPE C1. Identifiers: Orphanet 646, MedGen C3179455, MONDO:0009757, OMIM 257220.

Submission:

Labcorp Genetics (formerly Invitae), Labcorp
Classification: Uncertain significance for Niemann-Pick disease, type C1. Last evaluated: 2022-08-16. Review status: criteria provided, single submitter. Criteria: Invitae Variant Classification Sherloc (09022015). Collection method: clinical testing. Allele origin: germline.
Comment: This variant has not been reported in the literature in individuals affected with NPC1-related conditions. In summary, the available evidence is currently insufficient to determine the role of this variant in disease. Therefore, it has been classified as a Variant of Uncertain Significance. Advanced modeling of protein sequence and biophysical properties (such as structural, functional, and spatial information, amino acid conservation, physicochemical variation, residue mobility, and thermodynamic stability) performed at Invitae indicates that this missense variant is not expected to disrupt NPC1 protein function. This variant is not present in population databases (gnomAD no frequency). This sequence change replaces valine, which is neutral and non-polar, with leucine, which is neutral and non-polar, at codon 208 of the NPC1 protein (p.Val208Leu).